The following is an entry in ClinVar:

ClinVar aggregate classification (germline): Uncertain significance (1 of 4 stars; one submission).

gnomAD v4.1: 4 of 1,613,942 alleles (0.00025%); highest among the groups gnomAD compares: South Asian, 0.0011%; no homozygotes.

Submission:

Labcorp Genetics (formerly Invitae), Labcorp
Classification: Uncertain significance. Last evaluated: 2024-08-12. Review status: criteria provided, single submitter. Criteria: Invitae Variant Classification Sherloc (09022015). Collection method: clinical testing. Allele origin: germline.
Comment: This sequence change replaces glutamine, which is neutral and polar, with lysine, which is basic and polar, at codon 498 of the ATR protein (p.Gln498Lys). This variant is not present in population databases (gnomAD no frequency). This variant has not been reported in the literature in individuals affected with ATR-related conditions. An algorithm developed to predict the effect of missense changes on protein structure and function (PolyPhen-2) suggests that this variant is likely to be tolerated. In summary, the available evidence is currently insufficient to determine the role of this variant in disease. Therefore, it has been classified as a Variant of Uncertain Significance.

NM_001184.4(ATR):c.1492C>A (p.Gln498Lys)

Gene: ATR (ATR checkpoint kinase; minus strand). Cytogenetic location: 3q23.
Variant type: single nucleotide variant.
Coding change: c.1492C>A on transcript NM_001184.4 (MANE Select); coding-DNA position 1492, C replaced by A.
Protein change: p.Gln498Lys; replaces glutamine 498 with lysine.
Molecular consequence: missense variant. On other transcripts: intron variant (1).
Genome position (GRCh38, 1-based): chr3:142,560,312, G>T on the plus strand (C>A on the coding strand, the complement: ATR is on the minus strand). VCF-style: chr3-142560312-G-T. GRCh37 (hg19) VCF-style: chr3-142279154-G-T.
Other names: c.1350-871C>A (NM_001354579.2); short protein forms Q498K.
Identifiers: ClinVar variation 3730134 (VCV003730134.2).